The following is an entry in ClinVar:

ClinVar aggregate classification (germline): Benign/Likely benign. Review status: criteria provided, multiple submitters, no conflicts (2 of 4 stars). 3 submissions from 3 submitters: Benign (1); Likely benign (2). Last evaluated 2025-05-19.

Conditions:
RHO-related disorder. Also called: RHO-related condition.

gnomAD v4.1: 80 of 1,614,212 alleles (0.005%); highest among the groups gnomAD compares: East Asian, 0.16%; no homozygotes.

Submissions (3):

PreventionGenetics, part of Exact Sciences
Classification: Likely benign for RHO-related condition. Last evaluated: 2025-05-19. Review status: criteria provided, single submitter. Criteria: ACMG Guidelines, 2015. Collection method: clinical testing. Allele origin: germline.
Comment: This variant is classified as likely benign based on ACMG/AMP sequence variant interpretation guidelines (Richards et al. 2015 PMID: 25741868, with internal and published modifications).

Labcorp Genetics (formerly Invitae), Labcorp
Classification: Benign. Last evaluated: 2024-10-23. Review status: criteria provided, single submitter. Criteria: Invitae Variant Classification Sherloc (09022015). Collection method: clinical testing. Allele origin: germline.

Blueprint Genetics
Classification: Likely benign. Last evaluated: 2024-06-13. Review status: criteria provided, single submitter. Criteria: ACMG Guidelines, 2015. Collection method: clinical testing. Allele origin: germline.

NM_000539.3(RHO):c.895G>T (p.Ala299Ser)

Gene: RHO (rhodopsin; plus strand). Cytogenetic location: 3q22.1.
Variant type: single nucleotide variant.
Coding change: c.895G>T on transcript NM_000539.3 (MANE Select); coding-DNA position 895, G replaced by T.
Protein change: p.Ala299Ser; replaces alanine 299 with serine.
Molecular consequence: missense variant.
Genome position (GRCh38, 1-based): chr3:129,532,731, G>T. VCF-style: chr3-129532731-G-T. GRCh37 (hg19) VCF-style: chr3-129251574-G-T.
Other names: short protein forms A299S.
Identifiers: ClinVar variation 1600876 (VCV001600876.10), dbSNP rs779665096, ClinGen allele CA2607305.